The following is an entry in ClinVar:

NM_001278064.2(GRM1):c.446C>G (p.Pro149Arg)

Gene: GRM1 (glutamate metabotropic receptor 1; plus strand). Cytogenetic location: 6q24.3.
Variant type: single nucleotide variant.
Coding change: c.446C>G on transcript NM_001278064.2 (MANE Select); coding-DNA position 446, C replaced by G.
Protein change: p.Pro149Arg; replaces proline 149 with arginine.
Molecular consequence: missense variant.
Genome position (GRCh38, 1-based): chr6:146,029,963, C>G. VCF-style: chr6-146029963-C-G. GRCh37 (hg19) VCF-style: chr6-146351099-C-G.
Other names: c.446C>G, p.Pro149Arg (NM_001278065.2, NM_001278066.1, NM_001278067.1); short protein forms P149R.
Identifiers: ClinVar variation 3001151 (VCV003001151.3), dbSNP rs199749018, ClinGen allele CA365959828.

ClinVar aggregate classification (germline): Uncertain significance (1 of 4 stars; one submission).

gnomAD v4.1: 13 of 1,614,008 alleles (0.00081%); highest among the groups gnomAD compares: Admixed American, 0.005%; no homozygotes.

Submission:

Labcorp Genetics (formerly Invitae), Labcorp
Classification: Uncertain significance. Last evaluated: 2023-07-28. Review status: criteria provided, single submitter. Criteria: Invitae Variant Classification Sherloc (09022015). Collection method: clinical testing. Allele origin: germline.
Comment: This sequence change replaces proline, which is neutral and non-polar, with arginine, which is basic and polar, at codon 149 of the GRM1 protein (p.Pro149Arg). This variant is not present in population databases (gnomAD no frequency). This variant has not been reported in the literature in individuals affected with GRM1-related conditions. An algorithm developed to predict the effect of missense changes on protein structure and function (PolyPhen-2) suggests that this variant is likely to be tolerated. In summary, the available evidence is currently insufficient to determine the role of this variant in disease. Therefore, it has been classified as a Variant of Uncertain Significance.